The following is an entry in ClinVar:

NM_014391.3(ANKRD1):c.5T>C (p.Met2Thr)

Gene: ANKRD1 (ankyrin repeat domain 1; minus strand). Cytogenetic location: 10q23.31.
Variant type: single nucleotide variant.
Coding change: c.5T>C on transcript NM_014391.3 (MANE Select); coding-DNA position 5, T replaced by C.
Protein change: p.Met2Thr; replaces methionine 2 with threonine.
Molecular consequence: missense variant.
Genome position (GRCh38, 1-based): chr10:90,921,023, A>G on the plus strand (T>C on the coding strand, the complement: ANKRD1 is on the minus strand). VCF-style: chr10-90921023-A-G. GRCh37 (hg19) VCF-style: chr10-92680780-A-G.
Other names: short protein forms M2T.
Identifiers: ClinVar variation 4740186 (VCV004740186.1).

ClinVar aggregate classification (germline): Uncertain significance (1 of 4 stars; one submission).

Conditions:
ANKRD1-related dilated cardiomyopathy. Identifiers: MedGen CN119551.

gnomAD v4.1: 15 of 1,614,022 alleles (0.00093%); highest among the groups gnomAD compares: South Asian, 0.014%; no homozygotes.

Submission:

Labcorp Genetics (formerly Invitae), Labcorp
Classification: Uncertain significance for ANKRD1-related dilated cardiomyopathy. Last evaluated: 2025-10-10. Review status: criteria provided, single submitter. Criteria: Invitae Variant Classification Sherloc (09022015). Collection method: clinical testing. Allele origin: germline.
Comment: This sequence change replaces methionine, which is neutral and non-polar, with threonine, which is neutral and polar, at codon 2 of the ANKRD1 protein (p.Met2Thr). This variant is present in population databases (rs768122383, gnomAD 0.02%). This variant has not been reported in the literature in individuals affected with ANKRD1-related conditions. An algorithm developed to predict the effect of missense changes on protein structure and function (PolyPhen-2) suggests that this variant is likely to be tolerated. In summary, the available evidence is currently insufficient to determine the role of this variant in disease. Therefore, it has been classified as a Variant of Uncertain Significance.